The following is an entry in ClinVar:

NM_005609.4(PYGM):c.2211T>G (p.Pro737=)

Gene: PYGM (glycogen phosphorylase, muscle associated; minus strand). Cytogenetic location: 11q13.1.
Variant type: single nucleotide variant.
Coding change: c.2211T>G on transcript NM_005609.4 (MANE Select); coding-DNA position 2211, T replaced by G.
Protein change: p.Pro737=; no amino-acid change (proline 737 retained).
Molecular consequence: synonymous variant.
Genome position (GRCh38, 1-based): chr11:64,747,325, A>C on the plus strand (T>G on the coding strand, the complement: PYGM is on the minus strand). VCF-style: chr11-64747325-A-C. GRCh37 (hg19) VCF-style: chr11-64514797-A-C.
Other names: c.1947T>G, p.Pro649= (NM_001164716.1).
Identifiers: ClinVar variation 3067330 (VCV003067330.21), dbSNP rs2496639822, ClinGen allele CA474958605.

ClinVar aggregate classification (germline): Likely benign (1 of 4 stars; one submission).

Submission:

CeGaT Center for Human Genetics Tuebingen
Classification: Likely benign. Last evaluated: 2025-02-01. Review status: criteria provided, single submitter. Criteria: CeGaT Center For Human Genetics Tuebingen Variant Classification Criteria Version 2. Collection method: clinical testing. Allele origin: germline. Affected: yes. Observed: 2 variant alleles.
Comment: PYGM: BP4, BP7